The following is an entry in ClinVar:

ClinVar aggregate classification (germline): Pathogenic/Likely pathogenic. Review status: criteria provided, multiple submitters, no conflicts (2 of 4 stars). 4 submissions from 4 submitters: Pathogenic (1); Likely pathogenic (3). Last evaluated 2026-01-26.

Conditions:
Combined malonic and methylmalonic acidemia. Identifiers: Orphanet 289504, MedGen C3280314, MONDO:0013661, OMIM 614265.

Submissions (4):

Natera, Inc.
Classification: Likely pathogenic for Combined malonic and methylmalonic aciduria. Last evaluated: 2026-01-26. Review status: criteria provided, single submitter. Criteria: Natera Variant Classification Schema (03/2026). Collection method: clinical testing. Allele origin: germline.
Comment: The c.1645G>T variant in ACSF3 is a nonsense variant predicted to introduce a stop codon at amino acid 549. This variant is expected to result in nonsense mediated decay, truncation, or a dysfunctional protein product. This variant is rare in the general population with a frequency below the threshold expected for the associated phenotype(s). Given the available evidence, this variant is classified as Likely Pathogenic.

Fulgent Genetics
Classification: Likely pathogenic for Combined malonic and methylmalonic acidemia. Last evaluated: 2024-06-20. Review status: criteria provided, single submitter. Criteria: ACMG Guidelines, 2015. Collection method: clinical testing. Allele origin: germline.

Baylor Genetics
Classification: Likely pathogenic for Combined malonic and methylmalonic acidemia. Last evaluated: 2024-02-26. Review status: criteria provided, single submitter. Criteria: ACMG Guidelines, 2015. Collection method: clinical testing. Allele origin: unknown.

Labcorp Genetics (formerly Invitae), Labcorp
Classification: Pathogenic for Combined malonic and methylmalonic acidemia. Last evaluated: 2022-10-07. Review status: criteria provided, single submitter. Criteria: Invitae Variant Classification Sherloc (09022015). Collection method: clinical testing. Allele origin: germline.
Comment: For these reasons, this variant has been classified as Pathogenic. This variant disrupts the p.Arg558 amino acid residue in ACSF3. Other variant(s) that disrupt this residue have been determined to be pathogenic (PMID: 21841779, 26827111; Invitae). This suggests that this residue is clinically significant, and that variants that disrupt this residue are likely to be disease-causing. This variant has not been reported in the literature in individuals affected with ACSF3-related conditions. This variant is not present in population databases (gnomAD no frequency). This sequence change creates a premature translational stop signal (p.Glu549*) in the ACSF3 gene. While this is not anticipated to result in nonsense mediated decay, it is expected to disrupt the last 28 amino acid(s) of the ACSF3 protein.

Literature cited by the submitters: PubMed 21841779 (cited by Labcorp Genetics (formerly Invitae), Labcorp); PubMed 26827111 (cited by Labcorp Genetics (formerly Invitae), Labcorp).

NM_001243279.3(ACSF3):c.1645G>T (p.Glu549Ter)

Gene: ACSF3 (acyl-CoA synthetase family member 3; plus strand). Cytogenetic location: 16q24.3.
Variant type: single nucleotide variant.
Coding change: c.1645G>T on transcript NM_001243279.3 (MANE Select); coding-DNA position 1645, G replaced by T.
Protein change: p.Glu549Ter; replaces glutamic acid 549 with a stop codon.
Molecular consequence: nonsense. On other transcripts: non-coding transcript variant (4).
Genome position (GRCh38, 1-based): chr16:89,154,121, G>T. VCF-style: chr16-89154121-G-T. GRCh37 (hg19) VCF-style: chr16-89220529-G-T.
Other names: c.1645G>T, p.Glu549Ter (NM_001127214.4, NM_174917.5); c.850G>T, p.Glu284Ter (NM_001284316.2); c.1645G>T (NM_174917.4); short protein forms E284*, E549*.
Identifiers: ClinVar variation 2069775 (VCV002069775.7), dbSNP rs2543916866, ClinGen allele CA397150479.